The following is an entry in ClinVar:

NM_145239.3(PRRT2):c.284C>G (p.Ser95Ter)

Genes: MVP-DT (MVP divergent transcript; minus strand), PRRT2 (proline rich transmembrane protein 2; plus strand). Cytogenetic location: 16p11.2.
Variant type: single nucleotide variant.
Coding change: c.284C>G on transcript NM_145239.3 (MANE Select); coding-DNA position 284, C replaced by G.
Protein change: p.Ser95Ter; replaces serine 95 with a stop codon.
Molecular consequence: nonsense.
Genome position (GRCh38, 1-based): chr16:29,813,338, C>G. VCF-style: chr16-29813338-C-G. GRCh37 (hg19) VCF-style: chr16-29824659-C-G.
Other names: c.284C>G, p.Ser95Ter (NM_001256442.2, NM_001256443.2); short protein forms S95*.
Identifiers: ClinVar variation 2148028 (VCV002148028.4), dbSNP rs2543332388, ClinGen allele CA395478005.

ClinVar aggregate classification (germline): Pathogenic (1 of 4 stars; one submission).

Conditions:
Episodic kinesigenic dyskinesia (EKD). Also called: Paroxysmal kinesigenic dyskinesia. Identifiers: Orphanet 98809, MedGen C1868682, MONDO:0044202.

Submission:

Labcorp Genetics (formerly Invitae), Labcorp
Classification: Pathogenic for Episodic kinesigenic dyskinesia. Last evaluated: 2022-09-15. Review status: criteria provided, single submitter. Criteria: Invitae Variant Classification Sherloc (09022015). Collection method: clinical testing. Allele origin: germline.
Comment: For these reasons, this variant has been classified as Pathogenic. This premature translational stop signal has been observed in individual(s) with benign familial infantile epilepsy (PMID: 34041212). This variant is not present in population databases (gnomAD no frequency). This sequence change creates a premature translational stop signal (p.Ser95*) in the PRRT2 gene. It is expected to result in an absent or disrupted protein product. Loss-of-function variants in PRRT2 are known to be pathogenic (PMID: 22623405, 22744660).

Literature cited by the submitters: PubMed 34041212; PubMed 22623405; PubMed 22744660.